The following is an entry in ClinVar:

NM_001942.4(DSG1):c.216+4G>A

Gene: DSG1 (desmoglein 1; plus strand). Cytogenetic location: 18q12.1.
Variant type: single nucleotide variant.
Coding change: c.216+4G>A on transcript NM_001942.4 (MANE Select); 4 bases into the intron after coding-DNA position 216, G replaced by A.
Molecular consequence: intron variant.
Genome position (GRCh38, 1-based): chr18:31,327,009, G>A. VCF-style: chr18-31327009-G-A. GRCh37 (hg19) VCF-style: chr18-28906972-G-A.
Identifiers: ClinVar variation 2895243 (VCV002895243.3), dbSNP rs1295626703, ClinGen allele CA629453269.

ClinVar aggregate classification (germline): Uncertain significance (1 of 4 stars; one submission).

Allele frequency attached by ClinVar (database versions not stated): gnomAD exomes 0.00003; gnomAD 0.00001; TOPMed 0.00002.
gnomAD v4.1: 47 of 1,613,476 alleles (0.0029%); highest among the groups gnomAD compares: Non-Finnish European, 0.004%; no homozygotes.

Submission:

Labcorp Genetics (formerly Invitae), Labcorp
Classification: Uncertain significance. Last evaluated: 2025-10-16. Review status: criteria provided, single submitter. Criteria: Invitae Variant Classification Sherloc (09022015). Collection method: clinical testing. Allele origin: germline.
Comment: This sequence change falls in intron 3 of the DSG1 gene. It does not directly change the encoded amino acid sequence of the DSG1 protein. It affects a nucleotide within the consensus splice site. This variant is present in population databases (no rsID available, gnomAD 0.002%). This variant has not been reported in the literature in individuals affected with DSG1-related conditions. ClinVar contains an entry for this variant (Variation ID: 2895243). Variants that disrupt the consensus splice site are a relatively common cause of aberrant splicing (PMID: 17576681, 9536098). Algorithms developed to predict the effect of sequence changes on RNA splicing suggest that this variant is not likely to affect RNA splicing. In summary, the available evidence is currently insufficient to determine the role of this variant in disease. Therefore, it has been classified as a Variant of Uncertain Significance.

Literature cited by the submitters: PubMed 17576681; PubMed 9536098.